The following is an entry in ClinVar:

ClinVar aggregate classification (germline): Uncertain significance (1 of 4 stars; one submission).

Submission:

Labcorp Genetics (formerly Invitae), Labcorp
Classification: Uncertain significance. Last evaluated: 2024-02-19. Review status: criteria provided, single submitter. Criteria: Invitae Variant Classification Sherloc (09022015). Collection method: clinical testing. Allele origin: germline.
Comment: This sequence change replaces glycine, which is neutral and non-polar, with valine, which is neutral and non-polar, at codon 1023 of the SAMD9 protein (p.Gly1023Val). This variant is not present in population databases (gnomAD no frequency). This variant has not been reported in the literature in individuals affected with SAMD9-related conditions. Advanced modeling of protein sequence and biophysical properties (such as structural, functional, and spatial information, amino acid conservation, physicochemical variation, residue mobility, and thermodynamic stability) has been performed at Invitae for this missense variant, however the output from this modeling did not meet the statistical confidence thresholds required to predict the impact of this variant on SAMD9 protein function. In summary, the available evidence is currently insufficient to determine the role of this variant in disease. Therefore, it has been classified as a Variant of Uncertain Significance.

NM_017654.4(SAMD9):c.3068G>T (p.Gly1023Val)

Gene: SAMD9 (sterile alpha motif domain containing 9; minus strand). Cytogenetic location: 7q21.2.
Variant type: single nucleotide variant.
Coding change: c.3068G>T on transcript NM_017654.4 (MANE Select); coding-DNA position 3068, G replaced by T.
Protein change: p.Gly1023Val; replaces glycine 1023 with valine.
Molecular consequence: missense variant.
Genome position (GRCh38, 1-based): chr7:93,103,030, C>A on the plus strand (G>T on the coding strand, the complement: SAMD9 is on the minus strand). VCF-style: chr7-93103030-C-A. GRCh37 (hg19) VCF-style: chr7-92732343-C-A.
Other names: c.3068G>T, p.Gly1023Val (NM_001193307.2); short protein forms G1023V.
Identifiers: ClinVar variation 3633015 (VCV003633015.2).
Genomic context (GRCh38, chr7:93,103,030, plus strand): 5'-TGTTCATCGCGGTGTCTTGTGAGTAGGAGTGTGTGCATATCTTGCAAAAATTTACTTTTT[C>A]CCATACCAGTATCGAAGAACAAATTCTCAGTTAGCATATCCAACATAATTTGACTTTTAT-3'
Protein context (NP_060124.2, residues 1013-1033): TENLFFDTGM[Gly1023Val]KSKFLQDMHT